The following is an entry in ClinVar:

ClinVar aggregate classification (germline): Conflicting classifications of pathogenicity. Review status: criteria provided, conflicting classifications (1 of 4 stars). 5 submissions from 5 submitters: Uncertain significance (3); Likely benign (2). Last evaluated 2025-12-13.

Conditions:
Collagen 6-related myopathy. Identifiers: MedGen CN117976, MONDO:0100225.
Bethlem myopathy 1A. Also called: Bethlem myopathy 1; MYOPATHY, BENIGN CONGENITAL, WITH CONTRACTURES; Bethlem Muscular Dystrophy. Identifiers: Orphanet 610, MedGen CN029274, MONDO:0024530, OMIM 158810.

Allele frequency attached by ClinVar (database versions not stated): gnomAD 0.00006; TOPMed 0.00008; gnomAD exomes 0.00010 and 0.00014; ExAC 0.00013; ESP Exome Variant Server 0.00046.
gnomAD v4.1: 219 of 1,613,576 alleles (0.014%); highest among the groups gnomAD compares: Non-Finnish European, 0.017%; no homozygotes.

Submissions (5):

Labcorp Genetics (formerly Invitae), Labcorp
Classification: Uncertain significance for Bethlem myopathy 1A. Last evaluated: 2025-12-13. Review status: criteria provided, single submitter. Criteria: Invitae Variant Classification Sherloc (09022015). Collection method: clinical testing. Allele origin: germline.
Comment: This sequence change falls in intron 29 of the COL6A3 gene. It does not directly change the encoded amino acid sequence of the COL6A3 protein. It affects a nucleotide within the consensus splice site. This variant is present in population databases (rs375657891, gnomAD 0.02%). This variant has been observed in individual(s) with clinical suspicion of limb-girdle muscular dystrophy (PMID: 30564623). ClinVar contains an entry for this variant (Variation ID: 283047). Variants that disrupt the consensus splice site are a relatively common cause of aberrant splicing (PMID: 17576681, 9536098). Algorithms developed to predict the effect of sequence changes on RNA splicing suggest that this variant is not likely to affect RNA splicing. In summary, the available evidence is currently insufficient to determine the role of this variant in disease. Therefore, it has been classified as a Variant of Uncertain Significance.

GeneDx
Classification: Likely benign. Last evaluated: 2021-05-21. Review status: criteria provided, single submitter. Criteria: GeneDx Variant Classification Process June 2021. Collection method: clinical testing. Allele origin: germline. Affected: yes.
Comment: This variant is associated with the following publications: (PMID: 30564623)

Revvity Omics, Revvity
Classification: Uncertain significance. Last evaluated: 2020-02-19. Review status: criteria provided, single submitter. Criteria: ACMG Guidelines, 2015. Collection method: clinical testing. Allele origin: germline.

Illumina Laboratory Services, Illumina
Classification: Likely benign for Collagen VI-related myopathy. Last evaluated: 2018-01-13. Review status: criteria provided, single submitter. Criteria: ICSL Variant Classification Criteria 13 December 2019. Collection method: clinical testing. Allele origin: germline.
Comment: This variant was observed in the ICSL laboratory as part of a predisposition screen in an ostensibly healthy population. It had not been previously curated by ICSL or reported in the Human Gene Mutation Database (HGMD: prior to June 1st, 2018), and was therefore a candidate for classification through an automated scoring system. Utilizing variant allele frequency, disease prevalence and penetrance estimates, and inheritance mode, an automated score was calculated to assess if this variant is too frequent to cause the disease. Based on the score and internal cut-off values, a variant classified as likely benign is not then subjected to further curation. The score for this variant resulted in a classification of likely benign for this disease.

Eurofins Ntd Llc (ga)
Classification: Uncertain significance. Last evaluated: 2015-09-01. Review status: criteria provided, single submitter. Criteria: EGL Classification Definitions 2015. Collection method: clinical testing. Allele origin: germline. Observed: 3 variant alleles, 3 heterozygotes.

Literature cited by the submitters: PubMed 30564623 (cited by Labcorp Genetics (formerly Invitae), Labcorp); PubMed 17576681 (cited by Labcorp Genetics (formerly Invitae), Labcorp); PubMed 9536098 (cited by Labcorp Genetics (formerly Invitae), Labcorp).

NM_004369.4(COL6A3):c.6930+4C>T

Gene: COL6A3 (collagen type VI alpha 3 chain; minus strand). Cytogenetic location: 2q37.3.
Variant type: single nucleotide variant.
Coding change: c.6930+4C>T on transcript NM_004369.4 (MANE Select); 4 bases into the intron after coding-DNA position 6930, C replaced by T.
Molecular consequence: intron variant.
Genome position (GRCh38, 1-based): chr2:237,348,609, G>A on the plus strand (C>T on the coding strand, the complement: COL6A3 is on the minus strand). VCF-style: chr2-237348609-G-A. GRCh37 (hg19) VCF-style: chr2-238257252-G-A.
Other names: c.5109+4C>T (NM_057166.5); c.6312+4C>T (NM_057167.4).
Identifiers: ClinVar variation 283047 (VCV000283047.20), dbSNP rs375657891, ClinGen allele CA2188022.